The following is an entry in ClinVar:

NM_000360.4(TH):c.283del (p.Ala95fs)

Gene: TH (tyrosine hydroxylase; minus strand). Cytogenetic location: 11p15.5.
Variant type: Deletion.
Coding change: c.283del on transcript NM_000360.4 (MANE Select); coding-DNA position 283, one base deleted (G; older notation c.283delG).
Protein change: p.Ala95fs; shifts the reading frame from alanine 95.
Molecular consequence: frameshift variant.
Genome position (GRCh38, 1-based): chr11:2,169,679, C deleted on the plus strand (G on the coding strand, the reverse complement: TH is on the minus strand); the first of 2 consecutive C bases (chr11:2,169,679-2,169,680); deleting either gives the same sequence. VCF-style (leftmost placement, unchanged base first): chr11-2169678-GC-G. GRCh37 (hg19) VCF-style: chr11-2190908-GC-G.
Other names: c.376del, p.Ala126fs (NM_199292.3); c.364del, p.Ala122fs (NM_199293.3); short protein forms A95fs, A122fs, A126fs.
Identifiers: ClinVar variation 208620 (VCV000208620.4), dbSNP rs797045111, ClinGen allele CA278537.

ClinVar aggregate classification (germline): Pathogenic (1 of 4 stars; one submission).

Conditions:
TH-deficient dopa-responsive dystonia. Also called: Tyrosine Hydroxylase-Deficient Dopa-Responsive Dystonia; Segawa syndrome, autosomal recessive; DYT-TH. Identifiers: Orphanet 101150, MedGen C2673535, MONDO:0011551, OMIM 605407.

Submission:

Laboratory for Molecular Medicine, Mass General Brigham Personalized Medicine
Classification: Pathogenic for Segawa syndrome, autosomal recessive. Last evaluated: 2014-08-28. Review status: criteria provided, single submitter. Criteria: LMM Criteria. Collection method: clinical testing. Allele origin: germline. Inheritance: Autosomal recessive inheritance. Observed: 1 variant allele. Study: CSER-MedSeq.
Comment: The Ala95ArgfsX6 variant in TH has not been previously reported in individuals with disease and data from large population studies is insufficient to assess the frequency of this variant. However, this frameshift variant is predicted to alter the protein’s amino acid sequence beginning at position 95 and lead to a premature termination codon 6 amino acids downstream. This alteration is then predicted to lead to a truncated or absent protein. Loss of function variants in the TH gene have been associated with autosomal recessive Segawa syndrome. In summary, this variant meets our criteria to be classified as pathogenic for this disorder.